The following is an entry in ClinVar:

NM_002224.4(ITPR3):c.7949T>C (p.Met2650Thr)

Gene: ITPR3 (inositol 1,4,5-trisphosphate receptor type 3; plus strand). Cytogenetic location: 6p21.31.
Variant type: single nucleotide variant.
Coding change: c.7949T>C on transcript NM_002224.4 (MANE Select); coding-DNA position 7949, T replaced by C.
Protein change: p.Met2650Thr; replaces methionine 2650 with threonine.
Molecular consequence: missense variant.
Genome position (GRCh38, 1-based): chr6:33,695,713, T>C. VCF-style: chr6-33695713-T-C. GRCh37 (hg19) VCF-style: chr6-33663490-T-C.
Other names: short protein forms M2650T.
Identifiers: ClinVar variation 3697077 (VCV003697077.2).
Genomic context (GRCh38, chr6:33,695,713, plus strand): 5'-CCATGGAGGGAAGGTGCCAGGCGGCCTGACCAGGCCTGTTGGCATCTGCTTAACCCTAGA[T>C]GACGGAGCAGCGGAAACGCAGGCAACGCCTAGGCTTTGTGGATGTCCAGAACTGCATTAG-3'
Protein context (NP_002215.2, residues 2640-2660): TAQLNELKEQ[Met2650Thr]TEQRKRRQRL

ClinVar aggregate classification (germline): Uncertain significance (1 of 4 stars; one submission).

Submission:

Labcorp Genetics (formerly Invitae), Labcorp
Classification: Uncertain significance. Last evaluated: 2024-09-21. Review status: criteria provided, single submitter. Criteria: Invitae Variant Classification Sherloc (09022015). Collection method: clinical testing. Allele origin: germline.
Comment: This sequence change replaces methionine, which is neutral and non-polar, with threonine, which is neutral and polar, at codon 2650 of the ITPR3 protein (p.Met2650Thr). This variant is not present in population databases (gnomAD no frequency). This variant has not been reported in the literature in individuals affected with ITPR3-related conditions. An algorithm developed to predict the effect of missense changes on protein structure and function (PolyPhen-2) suggests that this variant is likely to be disruptive. Algorithms developed to predict the effect of sequence changes on RNA splicing suggest that this variant may disrupt the consensus splice site. In summary, the available evidence is currently insufficient to determine the role of this variant in disease. Therefore, it has been classified as a Variant of Uncertain Significance.